The following is an entry in ClinVar:

ClinVar aggregate classification (germline): Likely benign (1 of 4 stars; one submission).

Submission:

CeGaT Center for Human Genetics Tuebingen
Classification: Likely benign. Last evaluated: 2025-04-01. Review status: criteria provided, single submitter. Criteria: CeGaT Center For Human Genetics Tuebingen Variant Classification Criteria Version 2. Collection method: clinical testing. Allele origin: germline. Affected: yes. Observed: 1 variant allele.
Comment: IGFN1: BP4, BP7

NM_001164586.2(IGFN1):c.6141A>G (p.Gly2047=)

Gene: IGFN1 (immunoglobulin like and fibronectin type III domain containing 1; plus strand). Cytogenetic location: 1q32.1.
Variant type: single nucleotide variant.
Coding change: c.6141A>G on transcript NM_001164586.2 (MANE Select); coding-DNA position 6141, A replaced by G.
Protein change: p.Gly2047=; no amino-acid change (glycine 2047 retained).
Molecular consequence: synonymous variant. On other transcripts: intron variant (1).
Genome position (GRCh38, 1-based): chr1:201,211,034, A>G. VCF-style: chr1-201211034-A-G. GRCh37 (hg19) VCF-style: chr1-201180162-A-G.
Other names: c.1242-2472A>G (NM_001367841.1).
Identifiers: ClinVar variation 3898127 (VCV003898127.7).
Genomic context (GRCh38, chr1:201,211,034, plus strand): 5'-GTCAATGGATGAGGCAGGTTATAGGAAGGATTTGGGGGCTCCTGAGAGAATAGGTTCAGG[A>G]AGTAAGGCAGGTTTTAGGGATGGTTTAGGGAGTTCTGTAGAAATGGGGTCAGTGAATGAG-3'
Protein context (NP_001158058.1, residues 2037-2057): DLGAPERIGS[Gly2047=]SKAGFRDGLG